The following is an entry in ClinVar:

NM_001206927.2(DNAH8):c.8958T>A (p.Phe2986Leu)

Gene: DNAH8 (dynein axonemal heavy chain 8; plus strand). Cytogenetic location: 6p21.2.
Variant type: single nucleotide variant.
Coding change: c.8958T>A on transcript NM_001206927.2 (MANE Select); coding-DNA position 8958, T replaced by A.
Protein change: p.Phe2986Leu; replaces phenylalanine 2986 with leucine.
Molecular consequence: missense variant.
Genome position (GRCh38, 1-based): chr6:38,898,275, T>A. VCF-style: chr6-38898275-T-A. GRCh37 (hg19) VCF-style: chr6-38866051-T-A.
Other names: c.8307T>A, p.Phe2769Leu (NM_001371.4); short protein forms F2986L, F2769L.
Identifiers: ClinVar variation 2114527 (VCV002114527.3), dbSNP rs2533317994, ClinGen allele CA363999195.
Genomic context (GRCh38, chr6:38,898,275, plus strand): 5'-TGGATCTTAAATATTATTTTTTTATCTTTCTCTCCACCCATAGATGCCATCCTTTGACTT[T>A]CTGGCTGAAAAACTCCAGTTTTACCAGAGACAGTTCAATGAAATCATTAGAGGAACATCT-3'
Protein context (NP_001193856.1, residues 2976-2996): KIYELMPSFD[Phe2986Leu]LAEKLQFYQR

ClinVar aggregate classification (germline): Uncertain significance (1 of 4 stars; one submission).

Conditions:
Primary ciliary dyskinesia. Also called: Ciliary dyskinesia. Identifiers: Orphanet 244, MedGen C0008780, MONDO:0016575, HP:0012265.

Submission:

Labcorp Genetics (formerly Invitae), Labcorp
Classification: Uncertain significance for Primary ciliary dyskinesia. Last evaluated: 2025-03-10. Review status: criteria provided, single submitter. Criteria: Invitae Variant Classification Sherloc (09022015). Collection method: clinical testing. Allele origin: germline.
Comment: This sequence change replaces phenylalanine, which is neutral and non-polar, with leucine, which is neutral and non-polar, at codon 2986 of the DNAH8 protein (p.Phe2986Leu). This variant is not present in population databases (gnomAD no frequency). This variant has not been reported in the literature in individuals affected with DNAH8-related conditions. ClinVar contains an entry for this variant (Variation ID: 2114527). Invitae Evidence Modeling of protein sequence and biophysical properties (such as structural, functional, and spatial information, amino acid conservation, physicochemical variation, residue mobility, and thermodynamic stability) indicates that this missense variant is not expected to disrupt DNAH8 protein function with a negative predictive value of 80%. In summary, the available evidence is currently insufficient to determine the role of this variant in disease. Therefore, it has been classified as a Variant of Uncertain Significance.